The following is an entry in ClinVar:

NM_001042492.3(NF1):c.4868del (p.Leu1623fs)

Gene: NF1 (neurofibromin 1; plus strand). Cytogenetic location: 17q11.2.
Variant type: Deletion.
Coding change: c.4868del on transcript NM_001042492.3 (MANE Select); coding-DNA position 4868, one base deleted (T; older notation c.4868delT).
Protein change: p.Leu1623fs; shifts the reading frame from leucine 1623.
Molecular consequence: frameshift variant.
Genome position (GRCh38, 1-based): chr17:31,325,852, T deleted. VCF-style (leftmost placement, unchanged base first): chr17-31325851-CT-C. GRCh37 (hg19) VCF-style: chr17-29652869-CT-C.
Other names: c.4805del, p.Leu1602fs (NM_000267.4); short protein forms L1602fs, L1623fs.
Identifiers: ClinVar variation 4733649 (VCV004733649.1).
Genomic context (GRCh38, chr17:31,325,851, plus strand): 5'-ATCTTTGTCTTTTTTGTCATTTTCCTTAGGTTCAAAACTGGTCAAATCAATGGTGATTTG[CT>C]GATATACCATGTCTTACTGACTTTAAAGCCATATTATGCAAAGCCATATGAAATTGTAGT-3'

ClinVar aggregate classification (germline): Pathogenic (1 of 4 stars; one submission).

Conditions:
Neurofibromatosis, type 1 (NF1). Also called: VON RECKLINGHAUSEN DISEASE; Peripheral type neurofibromatosis; NEUROFIBROMATOSIS, TYPE I, SOMATIC; Neurofibromatosis, type I. Identifiers: Orphanet 636, MedGen C0027831, MONDO:0018975, OMIM 162200. Disease mechanism: loss of function.

Submission:

Labcorp Genetics (formerly Invitae), Labcorp
Classification: Pathogenic for Neurofibromatosis, type 1. Last evaluated: 2025-12-20. Review status: criteria provided, single submitter. Criteria: Invitae Variant Classification Sherloc (09022015). Collection method: clinical testing. Allele origin: germline.
Comment: This sequence change creates a premature translational stop signal (p.Leu1602Argfs*7) in the NF1 gene. It is expected to result in an absent or disrupted protein product. Loss-of-function variants in NF1 are known to be pathogenic (PMID: 10712197, 23913538). This variant is not present in population databases (gnomAD no frequency). This variant has not been reported in the literature in individuals affected with NF1-related conditions. For these reasons, this variant has been classified as Pathogenic.

Literature cited by the submitters: PubMed 10712197; PubMed 23913538.